The following is an entry in ClinVar:

NM_000548.5(TSC2):c.4404_4407dup (p.Arg1470fs)

Gene: TSC2 (TSC complex subunit 2; plus strand). Cytogenetic location: 16p13.3.
Variant type: Duplication.
Coding change: c.4404_4407dup on transcript NM_000548.5 (MANE Select); coding-DNA positions 4404 to 4407, 4 bases duplicated (ATCA; older notation c.4404_4407dupATCA).
Protein change: p.Arg1470fs; shifts the reading frame from arginine 1470.
Molecular consequence: frameshift variant.
Genome position (GRCh38, 1-based): chr16:2,084,626-2,084,629, ATCA duplicated. VCF-style (leftmost placement, unchanged base first): chr16-2084625-C-CATCA. GRCh37 (hg19) VCF-style: chr16-2134626-C-CATCA.
Other names: c.4203_4206dup, p.Arg1403fs (NM_001077183.3); c.4335_4338dup, p.Arg1447fs (NM_001114382.3); c.4095_4098dup, p.Arg1367fs (NM_001318827.2); c.4059_4062dup, p.Arg1355fs (NM_001318829.2); c.3672_3675dup, p.Arg1226fs (NM_001318831.2); c.4236_4239dup, p.Arg1414fs (NM_001318832.2); c.4206_4209dup, p.Arg1404fs (NM_001363528.2); c.4272_4275dup, p.Arg1426fs (NM_001370404.1); and 26 more; short protein forms R1226fs, R1367fs, R1426fs, R1447fs, R1403fs, R1404fs, R1355fs, R1414fs.
Identifiers: ClinVar variation 2124298 (VCV002124298.4), dbSNP rs2544284689, ClinGen allele CA2580090974.

ClinVar aggregate classification (germline): Pathogenic (1 of 4 stars; one submission).

Conditions:
Tuberous sclerosis 2 (TSC2). Identifiers: Orphanet 805, MedGen C1860707, MONDO:0013199, OMIM 613254.

Submission:

Labcorp Genetics (formerly Invitae), Labcorp
Classification: Pathogenic for Tuberous sclerosis 2. Last evaluated: 2022-04-10. Review status: criteria provided, single submitter. Criteria: Invitae Variant Classification Sherloc (09022015). Collection method: clinical testing. Allele origin: germline.
Comment: This sequence change creates a premature translational stop signal (p.Arg1470Ilefs*55) in the TSC2 gene. It is expected to result in an absent or disrupted protein product. Loss-of-function variants in TSC2 are known to be pathogenic (PMID: 10205261, 17304050). This variant is not present in population databases (gnomAD no frequency). This variant has not been reported in the literature in individuals affected with TSC2-related conditions. For these reasons, this variant has been classified as Pathogenic.

Literature cited by the submitters: PubMed 10205261; PubMed 17304050.